The following is an entry in ClinVar:

NM_001206927.2(DNAH8):c.3214C>T (p.Arg1072Trp)

Gene: DNAH8 (dynein axonemal heavy chain 8; plus strand). Cytogenetic location: 6p21.2.
Variant type: single nucleotide variant.
Coding change: c.3214C>T on transcript NM_001206927.2 (MANE Select); coding-DNA position 3214, C replaced by T.
Protein change: p.Arg1072Trp; replaces arginine 1072 with tryptophan.
Molecular consequence: missense variant.
Genome position (GRCh38, 1-based): chr6:38,807,673, C>T. VCF-style: chr6-38807673-C-T. GRCh37 (hg19) VCF-style: chr6-38775449-C-T.
Other names: c.2563C>T, p.Arg855Trp (NM_001371.4); short protein forms R1072W, R855W.
Identifiers: ClinVar variation 525419 (VCV000525419.11), dbSNP rs755566659, ClinGen allele CA3788758.

ClinVar aggregate classification (germline): Uncertain significance. Review status: criteria provided, multiple submitters, no conflicts (2 of 4 stars). 2 submissions from 2 submitters: Uncertain significance (2). Last evaluated 2025-04-04.

Conditions:
Primary ciliary dyskinesia. Also called: Ciliary dyskinesia. Identifiers: Orphanet 244, MedGen C0008780, MONDO:0016575, HP:0012265.

Allele frequency attached by ClinVar (database versions not stated): ExAC 0.00001; gnomAD exomes 0.00002 and 0.00003; gnomAD 0.00003 and 0.00004; TOPMed 0.00007.
gnomAD v4.1: 44 of 1,563,904 alleles (0.0028%); highest among the groups gnomAD compares: Middle Eastern, 0.017%; no homozygotes.

Submissions (2):

Labcorp Genetics (formerly Invitae), Labcorp
Classification: Uncertain significance for Primary ciliary dyskinesia. Last evaluated: 2025-04-04. Review status: criteria provided, single submitter. Criteria: Invitae Variant Classification Sherloc (09022015). Collection method: clinical testing. Allele origin: germline.
Comment: This sequence change replaces arginine, which is basic and polar, with tryptophan, which is neutral and slightly polar, at codon 1072 of the DNAH8 protein (p.Arg1072Trp). The frequency data for this variant in the population databases is considered unreliable, as metrics indicate poor data quality at this position in the gnomAD database. This variant has not been reported in the literature in individuals affected with DNAH8-related conditions. ClinVar contains an entry for this variant (Variation ID: 525419). Experimental studies and prediction algorithms are not available or were not evaluated, and the functional significance of this variant is currently unknown. In summary, the available evidence is currently insufficient to determine the role of this variant in disease. Therefore, it has been classified as a Variant of Uncertain Significance.

Ambry Genetics
Classification: Uncertain significance. Last evaluated: 2023-11-09. Review status: criteria provided, single submitter. Criteria: Ambry Variant Classification Scheme 2023. Collection method: clinical testing. Allele origin: germline.